The following is an entry in ClinVar:

NM_005676.5(RBM10):c.880A>G (p.Ser294Gly)

Genes: RBM10 (RNA binding motif protein 10; plus strand), LOC126863252 (CDK7 strongly-dependent group 2 enhancer GRCh37_chrX:47037923-47039122; plus strand). Cytogenetic location: Xp11.3.
Variant type: single nucleotide variant.
Coding change: c.880A>G on transcript NM_005676.5 (MANE Select); coding-DNA position 880, A replaced by G.
Protein change: p.Ser294Gly; replaces serine 294 with glycine.
Molecular consequence: missense variant.
Genome position (GRCh38, 1-based): chrX:47,179,474, A>G. VCF-style: chrX-47179474-A-G. GRCh37 (hg19) VCF-style: chrX-47038873-A-G.
Other names: c.649A>G, p.Ser217Gly (NM_001204466.2, NM_152856.3); c.880A>G, p.Ser294Gly (NM_001204467.2); c.1075A>G, p.Ser359Gly (NM_001204468.2); short protein forms S217G, S359G, S294G.
Identifiers: ClinVar variation 2056561 (VCV002056561.4), dbSNP rs2147169549, ClinGen allele CA412797365.

ClinVar aggregate classification (germline): Uncertain significance (1 of 4 stars; one submission).

Allele frequency attached by ClinVar (database versions not stated): gnomAD exomes below 0.00001.
gnomAD v4.1: 2 of 1,202,004 alleles (0.00017%); highest among the groups gnomAD compares: South Asian, 0.0018%; no homozygotes.

Submission:

Labcorp Genetics (formerly Invitae), Labcorp
Classification: Uncertain significance. Last evaluated: 2024-10-23. Review status: criteria provided, single submitter. Criteria: Invitae Variant Classification Sherloc (09022015). Collection method: clinical testing. Allele origin: germline.
Comment: This sequence change replaces serine, which is neutral and polar, with glycine, which is neutral and non-polar, at codon 294 of the RBM10 protein (p.Ser294Gly). This variant is not present in population databases (gnomAD no frequency). This variant has not been reported in the literature in individuals affected with RBM10-related conditions. ClinVar contains an entry for this variant (Variation ID: 2056561). An algorithm developed to predict the effect of missense changes on protein structure and function (PolyPhen-2) suggests that this variant is likely to be tolerated. In summary, the available evidence is currently insufficient to determine the role of this variant in disease. Therefore, it has been classified as a Variant of Uncertain Significance.